The following is an entry in ClinVar:

NM_001005373.4(LRSAM1):c.904-8G>A

Gene: LRSAM1 (leucine rich repeat and sterile alpha motif containing 1; plus strand). Cytogenetic location: 9q33.3.
Variant type: single nucleotide variant.
Coding change: c.904-8G>A on transcript NM_001005373.4 (MANE Select); 8 bases into the intron before coding-DNA position 904, G replaced by A.
Molecular consequence: intron variant.
Genome position (GRCh38, 1-based): chr9:127,479,831, G>A. VCF-style: chr9-127479831-G-A. GRCh37 (hg19) VCF-style: chr9-130242110-G-A.
Other names: c.904-8G>A (NM_138361.5, NM_001384142.1, NM_001384143.1 and 2 more transcripts); c.115-8G>A (NM_001384144.1).
Identifiers: ClinVar variation 4739557 (VCV004739557.1).

ClinVar aggregate classification (germline): Uncertain significance (1 of 4 stars; one submission).

Conditions:
Charcot-Marie-Tooth disease axonal type 2P. Also called: CHARCOT-MARIE-TOOTH NEUROPATHY, TYPE 2P; Charcot-Marie-Tooth Neuropathy Type 2G; CHARCOT-MARIE-TOOTH DISEASE, AXONAL, TYPE 2G; CMT 2G. Identifiers: Orphanet 300319, Orphanet 99941, MedGen C3280797, MONDO:0013753, OMIM 614436.

gnomAD v4.1: 6 of 1,610,484 alleles (0.00037%); highest among the groups gnomAD compares: South Asian, 0.0022%; no homozygotes.

Submission:

Labcorp Genetics (formerly Invitae), Labcorp
Classification: Uncertain significance for Charcot-Marie-Tooth disease axonal type 2P. Last evaluated: 2026-01-22. Review status: criteria provided, single submitter. Criteria: Invitae Variant Classification Sherloc (09022015). Collection method: clinical testing. Allele origin: germline.
Comment: This sequence change falls in intron 12 of the LRSAM1 gene. It does not directly change the encoded amino acid sequence of the LRSAM1 protein. This variant is present in population databases (rs770590486, gnomAD 0.003%). This variant has not been reported in the literature in individuals affected with LRSAM1-related conditions. Algorithms developed to predict the effect of sequence changes on RNA splicing suggest that this variant may disrupt the consensus splice site. In summary, the available evidence is currently insufficient to determine the role of this variant in disease. Therefore, it has been classified as a Variant of Uncertain Significance.